The following is an entry in ClinVar:

NM_001135651.3(EIF2AK2):c.899A>G (p.Tyr300Cys)

Gene: EIF2AK2 (eukaryotic translation initiation factor 2 alpha kinase 2; minus strand). Cytogenetic location: 2p22.2.
Variant type: single nucleotide variant.
Coding change: c.899A>G on transcript NM_001135651.3 (MANE Select); coding-DNA position 899, A replaced by G.
Protein change: p.Tyr300Cys; replaces tyrosine 300 with cysteine.
Molecular consequence: missense variant. On other transcripts: intron variant (1).
Genome position (GRCh38, 1-based): chr2:37,126,298, T>C on the plus strand (A>G on the coding strand, the complement: EIF2AK2 is on the minus strand). VCF-style: chr2-37126298-T-C. GRCh37 (hg19) VCF-style: chr2-37353441-T-C.
Other names: c.899A>G, p.Tyr300Cys (NM_002759.4); c.786-3634A>G (NM_001135652.2); short protein forms Y300C.
Identifiers: ClinVar variation 2117603 (VCV002117603.8), dbSNP rs769466033, ClinGen allele CA346310452.

ClinVar aggregate classification (germline): Uncertain significance. Review status: criteria provided, multiple submitters, no conflicts (2 of 4 stars). 2 submissions from 2 submitters: Uncertain significance (2). Last evaluated 2026-03-01.

Allele frequency attached by ClinVar (database versions not stated): gnomAD exomes below 0.00001; gnomAD 0.00001.
gnomAD v4.1: 4 of 1,596,678 alleles (0.00025%); highest among the groups gnomAD compares: African/African-American, 0.0014%; no homozygotes.

Submissions (2):

CeGaT Center for Human Genetics Tuebingen
Classification: Uncertain significance. Last evaluated: 2026-03-01. Review status: criteria provided, single submitter. Criteria: CeGaT Center For Human Genetics Tuebingen Variant Classification Criteria Version 2. Collection method: clinical testing. Allele origin: germline. Affected: yes. Observed: 1 variant allele.
Comment: EIF2AK2: PM2:Supporting

Labcorp Genetics (formerly Invitae), Labcorp
Classification: Uncertain significance. Last evaluated: 2022-03-26. Review status: criteria provided, single submitter. Criteria: Invitae Variant Classification Sherloc (09022015). Collection method: clinical testing. Allele origin: germline.
Comment: In summary, the available evidence is currently insufficient to determine the role of this variant in disease. Therefore, it has been classified as a Variant of Uncertain Significance. Algorithms developed to predict the effect of missense changes on protein structure and function output the following: SIFT: "Deleterious"; PolyPhen-2: "Possibly Damaging"; Align-GVGD: "Class C55". The cysteine amino acid residue is found in multiple mammalian species, which suggests that this missense change does not adversely affect protein function. This variant has not been reported in the literature in individuals affected with EIF2AK2-related conditions. This variant is present in population databases (no rsID available, gnomAD 0.01%). This sequence change replaces tyrosine, which is neutral and polar, with cysteine, which is neutral and slightly polar, at codon 300 of the EIF2AK2 protein (p.Tyr300Cys).